The following is an entry in ClinVar:

ClinVar aggregate classification (germline): Uncertain significance (1 of 4 stars; one submission).

Allele frequency attached by ClinVar (database versions not stated): gnomAD exomes 0.00001; TOPMed 0.00001.

Submission:

Labcorp Genetics (formerly Invitae), Labcorp
Classification: Uncertain significance. Last evaluated: 2022-08-20. Review status: criteria provided, single submitter. Criteria: Invitae Variant Classification Sherloc (09022015). Collection method: clinical testing. Allele origin: germline.
Comment: This sequence change replaces arginine, which is basic and polar, with glutamine, which is neutral and polar, at codon 196 of the HK1 protein (p.Arg196Gln). In summary, the available evidence is currently insufficient to determine the role of this variant in disease. Therefore, it has been classified as a Variant of Uncertain Significance. Algorithms developed to predict the effect of missense changes on protein structure and function are either unavailable or do not agree on the potential impact of this missense change (SIFT: "Tolerated"; PolyPhen-2: "Probably Damaging"; Align-GVGD: "Class C0"). ClinVar contains an entry for this variant (Variation ID: 1474807). This variant has not been reported in the literature in individuals affected with HK1-related conditions. This variant is present in population databases (no rsID available, gnomAD 0.002%).

NM_000188.3(HK1):c.587G>A (p.Arg196Gln)

Gene: HK1 (hexokinase 1; plus strand). Cytogenetic location: 10q22.1.
Variant type: single nucleotide variant.
Coding change: c.587G>A on transcript NM_000188.3 (MANE Select); coding-DNA position 587, G replaced by A.
Protein change: p.Arg196Gln; replaces arginine 196 with glutamine.
Molecular consequence: missense variant. On other transcripts: intron variant (1).
Genome position (GRCh38, 1-based): chr10:69,368,627, G>A. VCF-style: chr10-69368627-G-A. GRCh37 (hg19) VCF-style: chr10-71128383-G-A.
Other names: c.599G>A, p.Arg200Gln (NM_001322364.2, NM_001358263.1, NM_033497.3 and 1 more transcripts); c.692G>A, p.Arg231Gln (NM_001322365.2); c.503G>A, p.Arg168Gln (NM_001322366.1); c.584G>A, p.Arg195Gln (NM_033496.3); c.551G>A, p.Arg184Gln (NM_033500.2); c.496-610G>A (NM_001322367.1); short protein forms R168Q, R184Q, R200Q, R231Q, R195Q, R196Q.
Identifiers: ClinVar variation 1474807 (VCV001474807.8), dbSNP rs1159752232, ClinGen allele CA376913791.